The following is an entry in ClinVar:

ClinVar aggregate classification (germline): Uncertain significance (1 of 4 stars; one submission).

Conditions:
3-methylcrotonyl-CoA carboxylase 1 deficiency (MCC1D). Also called: MCCD TYPE 1; METHYLCROTONYLGLYCINURIA TYPE I; MCC 1 deficiency; 3 Alpha methylcrotonylglycinuria 1. Identifiers: Orphanet 6, MedGen CN028786, MONDO:0008861, OMIM 210200.

Submission:

Labcorp Genetics (formerly Invitae), Labcorp
Classification: Uncertain significance for 3-methylcrotonyl-CoA carboxylase 1 deficiency. Last evaluated: 2022-06-06. Review status: criteria provided, single submitter. Criteria: Invitae Variant Classification Sherloc (09022015). Collection method: clinical testing. Allele origin: germline.
Comment: In summary, the available evidence is currently insufficient to determine the role of this variant in disease. Therefore, it has been classified as a Variant of Uncertain Significance. Variants that disrupt the consensus splice site are a relatively common cause of aberrant splicing (PMID: 17576681, 9536098). Algorithms developed to predict the effect of sequence changes on RNA splicing suggest that this variant may disrupt the consensus splice site. ClinVar contains an entry for this variant (Variation ID: 1463666). This variant has been observed in individual(s) with 3MCC deficiency (Invitae). This variant is not present in population databases (gnomAD no frequency). This sequence change falls in intron 8 of the MCCC1 gene. It does not directly change the encoded amino acid sequence of the MCCC1 protein. It affects a nucleotide within the consensus splice site.

Literature cited by the submitters: PubMed 17576681; PubMed 9536098.

NM_020166.5(MCCC1):c.873_873+3dup

Gene: MCCC1 (methylcrotonyl-CoA carboxylase subunit 1; minus strand). Cytogenetic location: 3q27.1.
Variant type: Duplication.
Coding change: c.873_873+3dup on transcript NM_020166.5 (MANE Select); coding-DNA position 873 through 3 bases into the intron after coding-DNA position 873, 4 bases duplicated (GGTA; older notation c.873_873+3dupGGTA).
Molecular consequence: splice donor variant.
Genome position (GRCh38, 1-based): chr3:183,057,308-183,057,311, TACC duplicated on the plus strand (GGTA on the coding strand, the reverse complement: MCCC1 is on the minus strand). VCF-style (leftmost placement, unchanged base first): chr3-183057307-T-TTACC. GRCh37 (hg19) VCF-style: chr3-182775095-T-TTACC.
Other names: c.546_546+3dup (NM_001363880.1); c.522_522+3dup (NM_001293273.2).
Identifiers: ClinVar variation 1463666 (VCV001463666.5), dbSNP rs2108505458, ClinGen allele CA2573136744.
Genomic context (GRCh38, chr3:183,057,307, plus strand): 5'-TGTGAAAATCAGAGTAAGATTCACATTACGGAGAAGCTTACAAATTTCTTTCCAAGGTCC[T>TTACC]TACCGCTGGGGCCTCCTCAATGATCTTCTGATGTCGCCTCTGCACACTACAGTCTCTTTC-3'